The following is an entry in ClinVar:

ClinVar aggregate classification (germline): Uncertain significance (1 of 4 stars; one submission).

Conditions:
ASH1L-related disorder. Also called: ASH1L-related condition.

Allele frequency attached by ClinVar (database versions not stated): gnomAD exomes below 0.00001; ExAC 0.00001.
gnomAD v4.1: 4 of 1,614,192 alleles (0.00025%); highest among the groups gnomAD compares: South Asian, 0.0011%; no homozygotes.

Submission:

PreventionGenetics, part of Exact Sciences
Classification: Uncertain significance for ASH1L-related condition. Last evaluated: 2025-02-05. Review status: criteria provided, single submitter. Criteria: ACMG Guidelines, 2015. Collection method: clinical testing. Allele origin: germline.
Comment: The ASH1L c.7499A>G variant is predicted to result in the amino acid substitution p.Tyr2500Cys. To our knowledge, this variant has not been reported in the literature. This variant is reported in 0.0033% of alleles in individuals of South Asian descent in gnomAD. At this time, the clinical significance of this variant is uncertain due to the absence of conclusive functional and genetic evidence.

NM_018489.3(ASH1L):c.7499A>G (p.Tyr2500Cys)

Gene: ASH1L (ASH1 like histone lysine methyltransferase; minus strand). Cytogenetic location: 1q22.
Variant type: single nucleotide variant.
Coding change: c.7499A>G on transcript NM_018489.3 (MANE Select); coding-DNA position 7499, A replaced by G.
Protein change: p.Tyr2500Cys; replaces tyrosine 2500 with cysteine.
Molecular consequence: missense variant.
Genome position (GRCh38, 1-based): chr1:155,349,382, T>C on the plus strand (A>G on the coding strand, the complement: ASH1L is on the minus strand). VCF-style: chr1-155349382-T-C. GRCh37 (hg19) VCF-style: chr1-155319173-T-C.
Other names: c.7514A>G, p.Tyr2505Cys (NM_001366177.2); short protein forms Y2500C, Y2505C.
Identifiers: ClinVar variation 2628817 (VCV002628817.2), dbSNP rs776234558, ClinGen allele CA1146094.